The following is an entry in ClinVar:

ClinVar aggregate classification (germline): Uncertain significance (1 of 4 stars; one submission).

Conditions:
Propionic acidemia (PROP). Also called: GLYCINEMIA, KETOTIC; HYPERGLYCINEMIA WITH KETOACIDOSIS AND LEUKOPENIA; KETOTIC HYPERGLYCINEMIA. Identifiers: Orphanet 35, MedGen C0268579, MONDO:0011628, OMIM 606054, HP:0003571.

Allele frequency attached by ClinVar (database versions not stated): ExAC 0.00001; gnomAD 0.00001; TOPMed 0.00001; ESP Exome Variant Server 0.00008.
gnomAD v4.1: 1 of 1,612,882 alleles (0.000062%); highest among the groups gnomAD compares: Non-Finnish European, 0.000085%; no homozygotes.

Submission:

Labcorp Genetics (formerly Invitae), Labcorp
Classification: Uncertain significance for Propionic acidemia. Last evaluated: 2022-03-13. Review status: criteria provided, single submitter. Criteria: Invitae Variant Classification Sherloc (09022015). Collection method: clinical testing. Allele origin: germline.
Comment: This variant has not been reported in the literature in individuals affected with PCCA-related conditions. This variant is present in population databases (rs137861347, gnomAD 0.0009%). This sequence change replaces methionine, which is neutral and non-polar, with threonine, which is neutral and polar, at codon 316 of the PCCA protein (p.Met316Thr). Advanced modeling of protein sequence and biophysical properties (such as structural, functional, and spatial information, amino acid conservation, physicochemical variation, residue mobility, and thermodynamic stability) performed at Invitae indicates that this missense variant is expected to disrupt PCCA protein function. In summary, the available evidence is currently insufficient to determine the role of this variant in disease. Therefore, it has been classified as a Variant of Uncertain Significance.

NM_000282.4(PCCA):c.947T>C (p.Met316Thr)

Gene: PCCA (propionyl-CoA carboxylase subunit alpha; plus strand). Cytogenetic location: 13q32.3.
Variant type: single nucleotide variant.
Coding change: c.947T>C on transcript NM_000282.4 (MANE Select); coding-DNA position 947, T replaced by C.
Protein change: p.Met316Thr; replaces methionine 316 with threonine.
Molecular consequence: missense variant. On other transcripts: initiator codon variant (3), non-coding transcript variant (5).
Genome position (GRCh38, 1-based): chr13:100,273,228, T>C. VCF-style: chr13-100273228-T-C. GRCh37 (hg19) VCF-style: chr13-100925482-T-C.
Other names: c.869T>C, p.Met290Thr (NM_001127692.3, NM_001352607.2, NM_001352608.2); c.947T>C, p.Met316Thr (NM_001178004.2, NM_001352605.2, NM_001352606.2 and 1 more transcripts); c.2T>C, p.Met1Thr (NM_001352610.2, NM_001352611.2, NM_001352612.2); short protein forms M290T, M1T, M316T.
Identifiers: ClinVar variation 1922907 (VCV001922907.6), dbSNP rs137861347, ClinGen allele CA7033462.
Genomic context (GRCh38, chr13:100,273,228, plus strand): 5'-GTAGACAAACATTTTTTTGTATATGTAGCATTTTTTTGGATGCGGAGACTCGAAGAGCGA[T>C]GGGAGAACAAGCTGTAGCTCTTGCCAGAGCAGTAAAATATTCCTCTGCTGGGACCGTGGA-3'
Protein context (NP_000273.2, residues 306-326): IFLDAETRRA[Met316Thr]GEQAVALARA